The following is an entry in ClinVar:

NC_000022.10:g.(?_19864618)_(19929336_?)dup

Genes: COMT (catechol-O-methyltransferase; plus strand), TXNRD2 (thioredoxin reductase 2; minus strand), LOC126863098 (BRD4-independent group 4 enhancer GRCh37_chr22:19894389-19895588; plus strand), LOC130066960 (ATAC-STARR-seq lymphoblastoid silent region 13467; plus strand). Cytogenetic location: 22q11.21.
Variant type: Duplication.
Identifiers: ClinVar variation 640448 (VCV000640448.2).

ClinVar aggregate classification (germline): Uncertain significance (1 of 4 stars; one submission).

Conditions:
Primary dilated cardiomyopathy (DCM). Also called: Dilated Cardiomyopathy. Identifiers: Orphanet 217604, MedGen C0007193, MeSH D002311, MONDO:0005021, HP:0001644. Inheritance: Various modes of inheritance.

Submission:

Labcorp Genetics (formerly Invitae), Labcorp
Classification: Uncertain significance for Primary dilated cardiomyopathy. Last evaluated: 2019-07-25. Review status: criteria provided, single submitter. Criteria: Invitae Variant Classification Sherloc (09022015). Collection method: clinical testing. Allele origin: germline.
Comment: This variant results in a copy number gain of the genomic region encompassing the full coding sequence of the TXNRD2 gene. The boundaries of this event are unknown as they extend beyond the assayed region for this gene and therefore may encompass additional genes. As the precise location of this event is unknown, it may be in tandem or it may be located elsewhere in the genome. This variant has not been reported in the literature in individuals with TXNRD2-related disease. In summary, the available evidence is currently insufficient to determine the role of this variant in disease. Therefore, it has been classified as a Variant of Uncertain Significance.